The following is an entry in ClinVar:

ClinVar aggregate classification (germline): Likely pathogenic (1 of 4 stars; one submission).

Conditions:
Developmental and epileptic encephalopathy, 27 (DEE27). Also called: GRIN2B-Related Neurodevelopmental Disorder; Epileptic encephalopathy, early infantile, 27. Identifiers: Orphanet 3451, MedGen C4015316, MONDO:0014505, OMIM 616139.
Intellectual developmental disorder, autosomal dominant 6, with or without seizures. Also called: Intellectual disability, autosomal dominant 6; GRIN2B-related developmental delay, intellectual disability and autism spectrum disorder. Identifiers: Orphanet 589547, MedGen C3151411, MONDO:0013509, OMIM 613970.

Allele frequency attached by ClinVar (database versions not stated): gnomAD exomes below 0.00001.
gnomAD v4.1: 2 of 1,613,038 alleles (0.00012%); highest among the groups gnomAD compares: Non-Finnish European, 0.00017%; no homozygotes.

Submission:

Labcorp Genetics (formerly Invitae), Labcorp
Classification: Likely pathogenic for Developmental and epileptic encephalopathy, 27; Intellectual developmental disorder, autosomal dominant 6, with or without seizures. Last evaluated: 2022-04-19. Review status: criteria provided, single submitter. Criteria: Invitae Variant Classification Sherloc (09022015). Collection method: clinical testing. Allele origin: germline.
Comment: In summary, the currently available evidence indicates that the variant is pathogenic, but additional data are needed to prove that conclusively. Therefore, this variant has been classified as Likely Pathogenic. This variant disrupts the p.Arg540 amino acid residue in GRIN2B. Other variant(s) that disrupt this residue have been determined to be pathogenic (PMID: 24272827, 28377535). This suggests that this residue is clinically significant, and that variants that disrupt this residue are likely to be disease-causing. Advanced modeling of protein sequence and biophysical properties (such as structural, functional, and spatial information, amino acid conservation, physicochemical variation, residue mobility, and thermodynamic stability) performed at Invitae indicates that this missense variant is expected to disrupt GRIN2B protein function. This variant has not been reported in the literature in individuals affected with GRIN2B-related conditions. This variant is not present in population databases (gnomAD no frequency). This sequence change replaces arginine, which is basic and polar, with cysteine, which is neutral and slightly polar, at codon 540 of the GRIN2B protein (p.Arg540Cys).

Literature cited by the submitters: PubMed 24272827; PubMed 28377535.

NM_000834.5(GRIN2B):c.1618C>T (p.Arg540Cys)

Gene: GRIN2B (glutamate ionotropic receptor NMDA type subunit 2B; minus strand). Cytogenetic location: 12p13.1.
Variant type: single nucleotide variant.
Coding change: c.1618C>T on transcript NM_000834.5 (MANE Select); coding-DNA position 1618, C replaced by T.
Protein change: p.Arg540Cys; replaces arginine 540 with cysteine.
Molecular consequence: missense variant.
Genome position (GRCh38, 1-based): chr12:13,615,150, G>A on the plus strand (C>T on the coding strand, the complement: GRIN2B is on the minus strand). VCF-style: chr12-13615150-G-A. GRCh37 (hg19) VCF-style: chr12-13768084-G-A.
Other names: c.1618C>T, p.Arg540Cys (NM_001413992.1); short protein forms R540C.
Identifiers: ClinVar variation 2125621 (VCV002125621.4), dbSNP rs2497597935, ClinGen allele CA384051744.